The following is an entry in ClinVar:

ClinVar aggregate classification (germline): Uncertain significance. Review status: criteria provided, multiple submitters, no conflicts (2 of 4 stars). 2 submissions from 2 submitters: Uncertain significance (2). Last evaluated 2024-10-01.

Conditions:
Inborn genetic diseases. Identifiers: MedGen C0950123, MeSH D030342.

Allele frequency attached by ClinVar (database versions not stated): ExAC 0.00001; TOPMed 0.00001; gnomAD exomes 0.00003.
gnomAD v4.1: 48 of 1,612,662 alleles (0.003%); highest among the groups gnomAD compares: African/African-American, 0.0053%; no homozygotes.

Submissions (2):

Labcorp Genetics (formerly Invitae), Labcorp
Classification: Uncertain significance. Last evaluated: 2024-10-01. Review status: criteria provided, single submitter. Criteria: Invitae Variant Classification Sherloc (09022015). Collection method: clinical testing. Allele origin: germline.
Comment: This sequence change replaces alanine, which is neutral and non-polar, with valine, which is neutral and non-polar, at codon 391 of the DNAAF4 protein (p.Ala391Val). This variant is present in population databases (rs753571003, gnomAD 0.006%). This variant has not been reported in the literature in individuals affected with DNAAF4-related conditions. ClinVar contains an entry for this variant (Variation ID: 2167706). Invitae Evidence Modeling of protein sequence and biophysical properties (such as structural, functional, and spatial information, amino acid conservation, physicochemical variation, residue mobility, and thermodynamic stability) has been performed for this missense variant. However, the output from this modeling did not meet the statistical confidence thresholds required to predict the impact of this variant on DNAAF4 protein function. Algorithms developed to predict the effect of sequence changes on RNA splicing suggest that this variant may disrupt the consensus splice site. In summary, the available evidence is currently insufficient to determine the role of this variant in disease. Therefore, it has been classified as a Variant of Uncertain Significance.

Ambry Genetics
Classification: Uncertain significance for Inborn genetic diseases. Last evaluated: 2022-10-03. Review status: criteria provided, single submitter. Criteria: Ambry Variant Classification Scheme 2023. Collection method: clinical testing. Allele origin: germline.

NM_130810.4(DNAAF4):c.1172C>T (p.Ala391Val)

Genes: DNAAF4 (dynein axonemal assembly factor 4; minus strand), DNAAF4-CCPG1 (DNAAF4-CCPG1 readthrough (NMD candidate); minus strand). Cytogenetic location: 15q21.3.
Variant type: single nucleotide variant.
Coding change: c.1172C>T on transcript NM_130810.4 (MANE Select); coding-DNA position 1172, C replaced by T.
Protein change: p.Ala391Val; replaces alanine 391 with valine.
Molecular consequence: missense variant. On other transcripts: intron variant (1).
Genome position (GRCh38, 1-based): chr15:55,430,761, G>A on the plus strand (C>T on the coding strand, the complement: DNAAF4 is on the minus strand). VCF-style: chr15-55430761-G-A. GRCh37 (hg19) VCF-style: chr15-55722959-G-A.
Other names: c.1066C>T, p.Arg356Trp (NM_001033559.3); c.1047+4144C>T (NM_001033560.2); c.1172C>T (NM_130810.3); short protein forms A391V, R356W.
Identifiers: ClinVar variation 2167706 (VCV002167706.4), dbSNP rs753571003, ClinGen allele CA7574790.